The following is an entry in ClinVar:

ClinVar aggregate classification (germline): Uncertain significance. Review status: criteria provided, multiple submitters, no conflicts (2 of 4 stars). 2 submissions from 2 submitters: Uncertain significance (2). Last evaluated 2025-08-01.

Conditions:
Hereditary cancer-predisposing syndrome. Also called: Tumor predisposition; Hereditary neoplastic syndrome; Hereditary Cancer Syndrome; Neoplastic Syndromes, Hereditary. Identifiers: Orphanet 140162, MedGen C0027672, MeSH D009386, MONDO:0015356.
Neuroblastoma, susceptibility to, 3. Also called: ALK-Related Neuroblastic Tumor Susceptibility. Identifiers: Orphanet 635, MedGen C2751681, MONDO:0013083, OMIM 613014.

Submissions (2):

Ambry Genetics
Classification: Uncertain significance for Hereditary cancer-predisposing syndrome. Last evaluated: 2025-08-01. Review status: criteria provided, single submitter. Criteria: Ambry Variant Classification Scheme 2023. Collection method: clinical testing. Allele origin: germline.
Comment: The p.F958V variant (also known as c.2872T>G), located in coding exon 17 of the ALK gene, results from a T to G substitution at nucleotide position 2872. The phenylalanine at codon 958 is replaced by valine, an amino acid with highly similar properties. This amino acid position is conserved. In addition, the in silico prediction for this alteration is inconclusive. Based on the available evidence, the clinical significance of this variant remains unclear.

Labcorp Genetics (formerly Invitae), Labcorp
Classification: Uncertain significance for Neuroblastoma, susceptibility to, 3. Last evaluated: 2024-03-05. Review status: criteria provided, single submitter. Criteria: Invitae Variant Classification Sherloc (09022015). Collection method: clinical testing. Allele origin: germline.
Comment: This sequence change replaces phenylalanine, which is neutral and non-polar, with valine, which is neutral and non-polar, at codon 958 of the ALK protein (p.Phe958Val). This variant is not present in population databases (gnomAD no frequency). This variant has not been reported in the literature in individuals affected with ALK-related conditions. An algorithm developed to predict the effect of missense changes on protein structure and function (PolyPhen-2) suggests that this variant is likely to be disruptive. In summary, the available evidence is currently insufficient to determine the role of this variant in disease. Therefore, it has been classified as a Variant of Uncertain Significance.

NM_004304.5(ALK):c.2872T>G (p.Phe958Val)

Gene: ALK (ALK receptor tyrosine kinase; minus strand). Cytogenetic location: 2p23.2.
Variant type: single nucleotide variant.
Coding change: c.2872T>G on transcript NM_004304.5 (MANE Select); coding-DNA position 2872, T replaced by G.
Protein change: p.Phe958Val; replaces phenylalanine 958 with valine.
Molecular consequence: missense variant.
Genome position (GRCh38, 1-based): chr2:29,227,616, A>C on the plus strand (T>G on the coding strand, the complement: ALK is on the minus strand). VCF-style: chr2-29227616-A-C. GRCh37 (hg19) VCF-style: chr2-29450482-A-C.
Other names: c.2872T>G (NM_004304.4); short protein forms F958V.
Identifiers: ClinVar variation 3688565 (VCV003688565.3).